The following is an entry in ClinVar:

ClinVar aggregate classification (germline): Uncertain significance. Review status: criteria provided, multiple submitters, no conflicts (2 of 4 stars). 2 submissions from 2 submitters: Uncertain significance (2). Last evaluated 2025-03-18.

Allele frequency attached by ClinVar (database versions not stated): gnomAD 0.00001; gnomAD exomes 0.00001 and 0.00005; TOPMed 0.00004; ExAC 0.00005.
gnomAD v4.1: 18 of 1,613,946 alleles (0.0011%); highest among the groups gnomAD compares: East Asian, 0.029%; no homozygotes.

Submissions (2):

Labcorp Genetics (formerly Invitae), Labcorp
Classification: Uncertain significance. Last evaluated: 2025-03-18. Review status: criteria provided, single submitter. Criteria: Invitae Variant Classification Sherloc (09022015). Collection method: clinical testing. Allele origin: germline.
Comment: This sequence change replaces glycine, which is neutral and non-polar, with valine, which is neutral and non-polar, at codon 1736 of the CCDC88A protein (p.Gly1736Val). This variant is present in population databases (rs779817808, gnomAD 0.06%). This variant has not been reported in the literature in individuals affected with CCDC88A-related conditions. ClinVar contains an entry for this variant (Variation ID: 1485899). An algorithm developed to predict the effect of missense changes on protein structure and function outputs the following: PolyPhen-2: "Benign". The valine amino acid residue is found in multiple mammalian species, which suggests that this missense change does not adversely affect protein function. In summary, the available evidence is currently insufficient to determine the role of this variant in disease. Therefore, it has been classified as a Variant of Uncertain Significance.

Ambry Genetics
Classification: Uncertain significance. Last evaluated: 2023-06-16. Review status: criteria provided, single submitter. Criteria: Ambry Variant Classification Scheme 2023. Collection method: clinical testing. Allele origin: germline.

NM_001365480.1(CCDC88A):c.5210G>T (p.Gly1737Val)

Gene: CCDC88A (coiled-coil and HOOK domain protein 88A; minus strand). Cytogenetic location: 2p16.1.
Variant type: single nucleotide variant.
Coding change: c.5210G>T on transcript NM_001365480.1 (MANE Select); coding-DNA position 5210, G replaced by T.
Protein change: p.Gly1737Val; replaces glycine 1737 with valine.
Molecular consequence: missense variant. On other transcripts: intron variant (1).
Genome position (GRCh38, 1-based): chr2:55,295,938, C>A on the plus strand (G>T on the coding strand, the complement: CCDC88A is on the minus strand). VCF-style: chr2-55295938-C-A. GRCh37 (hg19) VCF-style: chr2-55523074-C-A.
Other names: c.5207G>T (NM_001135597.1); c.5207G>T, p.Gly1736Val (NM_001135597.2); c.5126G>T, p.Gly1709Val (NM_018084.5); c.5195+12G>T (NM_001254943.2); short protein forms G1709V, G1736V, G1737V.
Identifiers: ClinVar variation 1485899 (VCV001485899.5), dbSNP rs779817808, ClinGen allele CA1665368.
Genomic context (GRCh38, chr2:55,295,938, plus strand): 5'-CCAGGTCTCAAAAACTCAGGCTTAGTTGTCCGTCTATCATAGAAGTCCCCTGGGGTTTTT[C>A]CACTTACTGACCTGGCCAGACCACAGCTAACTGGTTTGTCTTTTCCCAAAAAGTCAGAAG-3'
Protein context (NP_001352409.1, residues 1727-1747): VSCGLARSVS[Gly1737Val]KTPGDFYDRR